The following is an entry in ClinVar:

NM_000051.4(ATM):c.3494G>A (p.Ser1165Asn)

Gene: ATM (ATM serine/threonine kinase; plus strand). Cytogenetic location: 11q22.3.
Variant type: single nucleotide variant.
Coding change: c.3494G>A on transcript NM_000051.4 (MANE Select); coding-DNA position 3494, G replaced by A.
Protein change: p.Ser1165Asn; replaces serine 1165 with asparagine.
Molecular consequence: missense variant.
Genome position (GRCh38, 1-based): chr11:108,281,086, G>A. VCF-style: chr11-108281086-G-A. GRCh37 (hg19) VCF-style: chr11-108151813-G-A.
Other names: c.3494G>A, p.Ser1165Asn (NM_001351834.2); short protein forms S1165N.
Identifiers: ClinVar variation 2159508 (VCV002159508.4), dbSNP rs2082208653, ClinGen allele CA382519682.

ClinVar aggregate classification (germline): Uncertain significance (1 of 4 stars; one submission).

Conditions:
Ataxia-telangiectasia syndrome (AT). Also called: AT, COMPLEMENTATION GROUP C; Ataxia telangiectasia (A-T); LOUIS-BAR SYNDROME; Cerebello-oculocutaneous telangiectasia; Immunodeficiency with ataxia telangiectasia; Ataxia-telangiectasia, complementation group D. Identifiers: Orphanet 100, MedGen C0004135, MONDO:0008840, OMIM 208900.

Allele frequency attached by ClinVar (database versions not stated): gnomAD exomes below 0.00001.
gnomAD v4.1: 1 of 1,613,850 alleles (0.000062%); highest among the groups gnomAD compares: South Asian, 0.0011%; no homozygotes.

Submission:

Labcorp Genetics (formerly Invitae), Labcorp
Classification: Uncertain significance for Ataxia-telangiectasia syndrome. Last evaluated: 2022-03-09. Review status: criteria provided, single submitter. Criteria: Invitae Variant Classification Sherloc (09022015). Collection method: clinical testing. Allele origin: germline.
Comment: In summary, the available evidence is currently insufficient to determine the role of this variant in disease. Therefore, it has been classified as a Variant of Uncertain Significance. Algorithms developed to predict the effect of sequence changes on RNA splicing suggest that this variant may disrupt the consensus splice site. Advanced modeling of protein sequence and biophysical properties (such as structural, functional, and spatial information, amino acid conservation, physicochemical variation, residue mobility, and thermodynamic stability) performed at Invitae indicates that this missense variant is not expected to disrupt ATM protein function. This variant has not been reported in the literature in individuals affected with ATM-related conditions. This variant is not present in population databases (gnomAD no frequency). This sequence change replaces serine, which is neutral and polar, with asparagine, which is neutral and polar, at codon 1165 of the ATM protein (p.Ser1165Asn).